The following is an entry in ClinVar:

ClinVar aggregate classification (germline): Uncertain significance. Review status: criteria provided, multiple submitters, no conflicts (2 of 4 stars). 2 submissions from 2 submitters: Uncertain significance (2). Last evaluated 2024-09-26.

Conditions:
Epidermodysplasia verruciformis. Identifiers: Orphanet 302, MedGen C0014522, MONDO:0009176.
Inborn genetic diseases. Identifiers: MedGen C0950123, MeSH D030342.

Allele frequency attached by ClinVar (database versions not stated): ExAC 0.00010.
gnomAD v4.1: 32 of 1,608,964 alleles (0.002%); highest among the groups gnomAD compares: Non-Finnish European, 0.0025%; no homozygotes.

Submissions (2):

Ambry Genetics
Classification: Uncertain significance for Inborn genetic diseases. Last evaluated: 2024-09-26. Review status: criteria provided, single submitter. Criteria: Ambry Variant Classification Scheme 2023. Collection method: clinical testing. Allele origin: germline.

Labcorp Genetics (formerly Invitae), Labcorp
Classification: Uncertain significance for Epidermodysplasia verruciformis. Last evaluated: 2022-02-19. Review status: criteria provided, single submitter. Criteria: Invitae Variant Classification Sherloc (09022015). Collection method: clinical testing. Allele origin: germline.
Comment: In summary, the available evidence is currently insufficient to determine the role of this variant in disease. Therefore, it has been classified as a Variant of Uncertain Significance. Algorithms developed to predict the effect of missense changes on protein structure and function are either unavailable or do not agree on the potential impact of this missense change (SIFT: "Not Available"; PolyPhen-2: "Benign"; Align-GVGD: "Not Available"). This variant has not been reported in the literature in individuals affected with TMC6-related conditions. This variant is present in population databases (rs755122700, gnomAD 0.008%), including at least one homozygous and/or hemizygous individual. This sequence change replaces threonine, which is neutral and polar, with serine, which is neutral and polar, at codon 722 of the TMC6 protein (p.Thr722Ser).

NM_001127198.5(TMC6):c.2165C>G (p.Thr722Ser)

Gene: TMC6 (transmembrane channel like 6; minus strand). Cytogenetic location: 17q25.3.
Variant type: single nucleotide variant.
Coding change: c.2165C>G on transcript NM_001127198.5 (MANE Select); coding-DNA position 2165, C replaced by G.
Protein change: p.Thr722Ser; replaces threonine 722 with serine.
Molecular consequence: missense variant. On other transcripts: non-coding transcript variant (4).
Genome position (GRCh38, 1-based): chr17:78,117,501, G>C on the plus strand (C>G on the coding strand, the complement: TMC6 is on the minus strand). VCF-style: chr17-78117501-G-C. GRCh37 (hg19) VCF-style: chr17-76113582-G-C.
Other names: c.2165C>G, p.Thr722Ser (NM_001321185.1, NM_001374596.1, NM_001375353.1 and 2 more transcripts); c.1985C>G, p.Thr662Ser (NM_001374593.1, NM_001374594.1); short protein forms T662S, T722S.
Identifiers: ClinVar variation 2200289 (VCV002200289.5), dbSNP rs755122700, ClinGen allele CA8795412.